The following is an entry in ClinVar:

NM_000059.4(BRCA2):c.72A>T (p.Leu24Phe)

Gene: BRCA2 (BRCA2 DNA repair associated; plus strand). Cytogenetic location: 13q13.1.
Variant type: single nucleotide variant.
Coding change: c.72A>T on transcript NM_000059.4 (MANE Select); coding-DNA position 72, A replaced by T.
Protein change: p.Leu24Phe; replaces leucine 24 with phenylalanine.
Molecular consequence: missense variant.
Genome position (GRCh38, 1-based): chr13:32,319,081, A>T. VCF-style: chr13-32319081-A-T. GRCh37 (hg19) VCF-style: chr13-32893218-A-T.
Other names: short protein forms L24F.
Identifiers: ClinVar variation 52303 (VCV000052303.16), dbSNP rs397507909, ClinGen allele CA025017.

ClinVar aggregate classification (germline): Uncertain significance. Review status: criteria provided, multiple submitters, no conflicts (2 of 4 stars). 5 submissions from 5 submitters: Uncertain significance (4). 1 of the submissions does not count toward it. Last evaluated 2025-05-13.

Conditions:
BRCA2-related disorder. Also called: BRCA2-related condition; BRCA2-related disorders. Identifiers: MedGen CN239275.
Hereditary cancer-predisposing syndrome. Also called: Tumor predisposition; Neoplastic Syndromes, Hereditary; Hereditary neoplastic syndrome; Hereditary Cancer Syndrome. Identifiers: Orphanet 140162, MedGen C0027672, MeSH D009386, MONDO:0015356.
Hereditary breast ovarian cancer syndrome. Also called: Hereditary breast and ovarian cancer; BRCA1- and BRCA2-Associated Hereditary Breast and Ovarian Cancer; Hereditary breast and/or ovarian cancer syndrome; Hereditary breast and ovarian cancer syndrome; Breast and ovarian cancer; Hereditary breast and ovarian cancer syndrome (HBOC). Identifiers: Orphanet 145, MedGen C0677776, MeSH D061325, MONDO:0003582. Disease mechanism: loss of function.
Familial cancer of breast. Also called: BREAST CANCER, FAMILIAL; hereditary breast carcinoma; Hereditary breast cancer. Identifiers: Orphanet 227535, MedGen C0346153, MONDO:0016419, OMIM 114480. Disease mechanism: loss of function.

Allele frequency attached by ClinVar (database versions not stated): ExAC 0.00002; gnomAD exomes 0.00002 and 0.00003.
gnomAD v4.1: 16 of 1,612,434 alleles (0.00099%); no homozygotes.

Submissions (5):

Ambry Genetics
Classification: Uncertain significance for Hereditary cancer-predisposing syndrome. Last evaluated: 2025-05-13. Review status: criteria provided, single submitter. Criteria: Ambry Variant Classification Scheme 2023. Collection method: clinical testing. Allele origin: germline.
Comment: The p.L24F variant (also known as c.72A>T), located in coding exon 2 of the BRCA2 gene, results from an A to T substitution at nucleotide position 72. The leucine at codon 24 is replaced by phenylalanine, an amino acid with highly similar properties. This alteration was identified in a high-risk Finnish Hereditary Breast and/or Ovarian Cancer family (Kuusisto KM et al. Breast Cancer Res, 2011 Feb;13:R20). This amino acid position is highly conserved in available vertebrate species. In addition, the in silico prediction for this alteration is inconclusive. Based on the available evidence, the clinical significance of this variant remains unclear.

PreventionGenetics, part of Exact Sciences
Classification: Uncertain significance for BRCA2-related condition. Last evaluated: 2023-02-08. Review status: criteria provided, single submitter. Criteria: ACMG Guidelines, 2015. Collection method: clinical testing. Allele origin: germline.
Comment: The BRCA2 c.72A>T variant is predicted to result in the amino acid substitution p.Leu24Phe. This variant has been reported in an individual with breast and/or ovarian cancer (Table 2, Kuusisto et al 2011. PubMed ID: 21356067). This variant is reported in 5 of ~250,000 alleles in gnomAD. It is interpreted as uncertain significance in ClinVar.At this time, the clinical significance of this variant is uncertain due to the absence of conclusive functional and genetic evidence.

Labcorp Genetics (formerly Invitae), Labcorp
Classification: Uncertain significance for Hereditary breast ovarian cancer syndrome. Last evaluated: 2022-04-20. Review status: criteria provided, single submitter. Criteria: Invitae Variant Classification Sherloc (09022015). Collection method: clinical testing. Allele origin: germline.
Comment: In summary, the available evidence is currently insufficient to determine the role of this variant in disease. Therefore, it has been classified as a Variant of Uncertain Significance. Advanced modeling of protein sequence and biophysical properties (such as structural, functional, and spatial information, amino acid conservation, physicochemical variation, residue mobility, and thermodynamic stability) performed at Invitae indicates that this missense variant is not expected to disrupt BRCA2 protein function. ClinVar contains an entry for this variant (Variation ID: 52303). This missense change has been observed in individual(s) with breast cancer (PMID: 21356067). This variant is present in population databases (rs397507909, gnomAD 0.02%). This sequence change replaces leucine, which is neutral and non-polar, with phenylalanine, which is neutral and non-polar, at codon 24 of the BRCA2 protein (p.Leu24Phe).

Blueprint Genetics
Classification: Uncertain significance. Last evaluated: 2019-11-01. Review status: criteria provided, single submitter. Criteria: ACMG Guidelines, 2015. Collection method: clinical testing. Allele origin: germline.

ClinVar Staff, National Center for Biotechnology Information (NCBI)
No classification provided. Condition: Familial cancer of breast. Review status: no classification provided. Collection method: literature only. Allele origin: germline. Affected: yes. Not counted in ClinVar's aggregate classification.

Literature cited by the submitters: PubMed 21356067 (cited by 3 submitters).